The following is an entry in ClinVar:

NM_001134407.3(GRIN2A):c.3215G>A (p.Arg1072Lys)

Gene: GRIN2A (glutamate ionotropic receptor NMDA type subunit 2A; minus strand). Cytogenetic location: 16p13.2.
Variant type: single nucleotide variant.
Coding change: c.3215G>A on transcript NM_001134407.3 (MANE Select); coding-DNA position 3215, G replaced by A.
Protein change: p.Arg1072Lys; replaces arginine 1072 with lysine.
Molecular consequence: missense variant.
Genome position (GRCh38, 1-based): chr16:9,764,329, C>T on the plus strand (G>A on the coding strand, the complement: GRIN2A is on the minus strand). VCF-style: chr16-9764329-C-T. GRCh37 (hg19) VCF-style: chr16-9858186-C-T.
Other names: c.3215G>A, p.Arg1072Lys (NM_000833.5, NM_001134408.2); short protein forms R1072K.
Identifiers: ClinVar variation 2521573 (VCV002521573.5), dbSNP rs377746289, ClinGen allele CA277537572.
Genomic context (GRCh38, chr16:9,764,329, plus strand): 5'-GAGGCCACTGACCTTTTAAAGTTGTCCTTGGTTTTGTGGTTCTTACTGTTGTCAGGTTCC[C>T]TGTGGCACGTGGCCCGATTTGACGTTTCTGAAATGTCAGAGTGGGCCATCTCTTCTGGAA-3'
Protein context (NP_001127879.1, residues 1062-1082): SETSNRATCH[Arg1072Lys]EPDNSKNHKT

ClinVar aggregate classification (germline): Uncertain significance. Review status: criteria provided, multiple submitters, no conflicts (2 of 4 stars). 2 submissions from 2 submitters: Uncertain significance (2). Last evaluated 2025-04-17.

Conditions:
Landau-Kleffner syndrome (FESD). Also called: APHASIA, ACQUIRED, WITH EPILEPSY; EPILEPSY, FOCAL, WITH SPEECH DISORDER AND WITH OR WITHOUT MENTAL RETARDATION. Identifiers: Orphanet 1945, Orphanet 725, Orphanet 98818, MedGen C0282512, MONDO:0009509, OMIM 245570.
Inborn genetic diseases. Identifiers: MedGen C0950123, MeSH D030342.

Allele frequency attached by ClinVar (database versions not stated): TOPMed below 0.00001; ESP Exome Variant Server 0.00008.

Submissions (2):

Labcorp Genetics (formerly Invitae), Labcorp
Classification: Uncertain significance for Landau-Kleffner syndrome. Last evaluated: 2025-04-17. Review status: criteria provided, single submitter. Criteria: Invitae Variant Classification Sherloc (09022015). Collection method: clinical testing. Allele origin: germline.
Comment: This sequence change replaces arginine, which is basic and polar, with lysine, which is basic and polar, at codon 1072 of the GRIN2A protein (p.Arg1072Lys). This variant is not present in population databases (gnomAD no frequency). This variant has not been reported in the literature in individuals affected with GRIN2A-related conditions. ClinVar contains an entry for this variant (Variation ID: 2521573). Invitae Evidence Modeling of protein sequence and biophysical properties (such as structural, functional, and spatial information, amino acid conservation, physicochemical variation, residue mobility, and thermodynamic stability) indicates that this missense variant is not expected to disrupt GRIN2A protein function with a negative predictive value of 95%. In summary, the available evidence is currently insufficient to determine the role of this variant in disease. Therefore, it has been classified as a Variant of Uncertain Significance.

Ambry Genetics
Classification: Uncertain significance for Inborn genetic diseases. Last evaluated: 2023-06-01. Review status: criteria provided, single submitter. Criteria: Ambry Variant Classification Scheme 2023. Collection method: clinical testing. Allele origin: germline.